The following is an entry in ClinVar:

ClinVar aggregate classification (germline): Likely pathogenic. Review status: criteria provided, single submitter (1 of 4 stars). 2 submissions from 2 submitters: Likely pathogenic (1). 1 of the submissions does not count toward it. Last evaluated 2026-05-01.

Conditions:
Skeletal muscle channelopathy.
Congenital myotonia, autosomal recessive form. Also called: Becker Generalized Myotonia; myotonia congenita, autosomal recessive; BECKER DISEASE. Identifiers: Orphanet 614, MedGen C0751360, MONDO:0009715, OMIM 255700.

Allele frequency attached by ClinVar (database versions not stated): gnomAD exomes below 0.00001.
gnomAD v4.1: 1 of 1,538,958 alleles (0.000065%); highest among the groups gnomAD compares: South Asian, 0.0012%; no homozygotes.

Submissions (2):

Genetics Laboratory, Great Ormond Street Hospital NHS Foundation Trust, North Thames Genomic Laboratory Hub
Classification: Likely pathogenic for Skeletal muscle channelopathy. Last evaluated: 2026-05-01. Review status: criteria provided, single submitter. Criteria: ACGS Best Practice Guidelines for Variant Classification in Rare Disease 2024 v1.2. Collection method: clinical testing. Allele origin: germline. Affected: yes.
Comment: PM2_moderate, PP3_supporting, PS3_strong

Zotz-Klimas Genetics Lab, MVZ Zotz Klimas
Classification: Uncertain significance for Congenital myotonia, autosomal recessive form. Last evaluated: 2023-10-30. Review status: no assertion criteria provided. Collection method: clinical testing. Allele origin: germline. Affected: yes. Not counted in ClinVar's aggregate classification.

NM_000083.3(CLCN1):c.1949G>A (p.Gly650Asp)

Genes: CLCN1 (chloride voltage-gated channel 1; plus strand), LOC123956257 (Sharpr-MPRA regulatory region 4117; plus strand). Cytogenetic location: 7q34.
Variant type: single nucleotide variant.
Coding change: c.1949G>A on transcript NM_000083.3 (MANE Select); coding-DNA position 1949, G replaced by A.
Protein change: p.Gly650Asp; replaces glycine 650 with aspartic acid.
Molecular consequence: missense variant. On other transcripts: non-coding transcript variant (1).
Genome position (GRCh38, 1-based): chr7:143,345,539, G>A. VCF-style: chr7-143345539-G-A. GRCh37 (hg19) VCF-style: chr7-143042632-G-A.
Other names: short protein forms G650D.
Identifiers: ClinVar variation 2627050 (VCV002627050.2), dbSNP rs1803208919, ClinGen allele CA369649411.